The following is an entry in ClinVar:

NM_015047.3(EMC1):c.1057A>G (p.Met353Val)

Genes: EMC1 (ER membrane protein complex subunit 1; minus strand), EMC1-AS1 (EMC1 antisense RNA 1; plus strand). Cytogenetic location: 1p36.13.
Variant type: single nucleotide variant.
Coding change: c.1057A>G on transcript NM_015047.3 (MANE Select); coding-DNA position 1057, A replaced by G.
Protein change: p.Met353Val; replaces methionine 353 with valine.
Molecular consequence: missense variant.
Genome position (GRCh38, 1-based): chr1:19,238,827, T>C on the plus strand (A>G on the coding strand, the complement: EMC1 is on the minus strand). VCF-style: chr1-19238827-T-C. GRCh37 (hg19) VCF-style: chr1-19565321-T-C.
Other names: c.1054A>G, p.Met352Val (NM_001271427.2, NM_001375821.1); c.1057A>G, p.Met353Val (NM_001271428.2, NM_001375820.1); c.991A>G, p.Met331Val (NM_001271429.2); short protein forms M353V, M331V, M352V.
Identifiers: ClinVar variation 1465811 (VCV001465811.6), dbSNP rs376686021, ClinGen allele CA652697.

ClinVar aggregate classification (germline): Uncertain significance (1 of 4 stars; one submission).

Allele frequency attached by ClinVar (database versions not stated): gnomAD exomes below 0.00001 and 0.00001; ExAC 0.00002; ESP Exome Variant Server 0.00008.
gnomAD v4.1: 6 of 1,612,010 alleles (0.00037%); highest among the groups gnomAD compares: Non-Finnish European, 0.00042%; no homozygotes.

Submission:

Labcorp Genetics (formerly Invitae), Labcorp
Classification: Uncertain significance. Last evaluated: 2026-01-06. Review status: criteria provided, single submitter. Criteria: Invitae Variant Classification Sherloc (09022015). Collection method: clinical testing. Allele origin: germline.
Comment: This sequence change replaces methionine, which is neutral and non-polar, with valine, which is neutral and non-polar, at codon 353 of the EMC1 protein (p.Met353Val). This variant is present in population databases (rs376686021, gnomAD 0.003%). This variant has not been reported in the literature in individuals affected with EMC1-related conditions. ClinVar contains an entry for this variant (Variation ID: 1465811). An algorithm developed to predict the effect of missense changes on protein structure and function outputs the following: PolyPhen-2: "Benign". The valine amino acid residue is found in multiple mammalian species, which suggests that this missense change does not adversely affect protein function. In summary, the available evidence is currently insufficient to determine the role of this variant in disease. Therefore, it has been classified as a Variant of Uncertain Significance.